The following is an entry in ClinVar:

NM_012472.6(DNAAF11):c.935A>T (p.Asp312Val)

Gene: DNAAF11 (dynein axonemal assembly factor 11; minus strand). Cytogenetic location: 8q24.22.
Variant type: single nucleotide variant.
Coding change: c.935A>T on transcript NM_012472.6 (MANE Select); coding-DNA position 935, A replaced by T.
Protein change: p.Asp312Val; replaces aspartic acid 312 with valine.
Molecular consequence: missense variant. On other transcripts: non-coding transcript variant (9), intron variant (2).
Genome position (GRCh38, 1-based): chr8:132,615,077, T>A on the plus strand (A>T on the coding strand, the complement: DNAAF11 is on the minus strand). VCF-style: chr8-132615077-T-A. GRCh37 (hg19) VCF-style: chr8-133627323-T-A.
Other names: c.689A>T, p.Asp230Val (NM_001321962.2); c.575A>T, p.Asp192Val (NM_001321963.2, NM_001321964.2, NM_001321965.2); c.915-3714A>T (NM_001321961.2); c.555-3714A>T (NM_001321966.2); short protein forms D312V, D192V, D230V.
Identifiers: ClinVar variation 2047023 (VCV002047023.4), dbSNP rs759877163, ClinGen allele CA372293574.

ClinVar aggregate classification (germline): Uncertain significance (1 of 4 stars; one submission).

Conditions:
Primary ciliary dyskinesia 19. Also called: CILIARY DYSKINESIA, PRIMARY, 19, WITH OR WITHOUT SITUS INVERSUS. Identifiers: Orphanet 244, MedGen C3543826, MONDO:0013979, OMIM 614935.

gnomAD v4.1: 2 of 1,607,950 alleles (0.00012%); highest among the groups gnomAD compares: Middle Eastern, 0.017%; no homozygotes.

Submission:

Labcorp Genetics (formerly Invitae), Labcorp
Classification: Uncertain significance for Primary ciliary dyskinesia 19. Last evaluated: 2021-12-18. Review status: criteria provided, single submitter. Criteria: Invitae Variant Classification Sherloc (09022015). Collection method: clinical testing. Allele origin: germline.
Comment: This variant has not been reported in the literature in individuals affected with LRRC6-related conditions. This variant is not present in population databases (gnomAD no frequency). This sequence change replaces aspartic acid, which is acidic and polar, with valine, which is neutral and non-polar, at codon 312 of the LRRC6 protein (p.Asp312Val). Algorithms developed to predict the effect of missense changes on protein structure and function are either unavailable or do not agree on the potential impact of this missense change (SIFT: "Deleterious"; PolyPhen-2: "Probably Damaging"; Align-GVGD: "Class C0"). In summary, the available evidence is currently insufficient to determine the role of this variant in disease. Therefore, it has been classified as a Variant of Uncertain Significance.